The following is an entry in ClinVar:

NC_000002.12:g.121530891T>C

Genes: CLASP1 (cytoplasmic linker associated protein 1; minus strand), CLASP1-AS1 (CLASP1 antisense RNA 1; plus strand), RNU4ATAC (RNA, U4atac small nuclear; plus strand). Cytogenetic location: 2q14.2.
Variant type: single nucleotide variant.
Molecular consequence: intron variant (on NM_001395891.1).
Genome position: GRCh38 VCF-style: chr2-121530891-T-C. GRCh37 (hg19) VCF-style: chr2-122288467-T-C.
Other names: c.196-566A>G (NM_001142274.2, NM_015282.3, NM_001378003.1 and 5 more transcripts).
Identifiers: ClinVar variation 1479614 (VCV001479614.3), dbSNP rs763786601, ClinGen allele CA1854678.

ClinVar aggregate classification (germline): Uncertain significance (1 of 4 stars; one submission).

gnomAD v4.1: 201 of 693,630 alleles (0.029%); highest among the groups gnomAD compares: South Asian, 0.025%; no homozygotes.

Submission:

Labcorp Genetics (formerly Invitae), Labcorp
Classification: Uncertain significance. Last evaluated: 2022-06-03. Review status: criteria provided, single submitter. Criteria: Invitae Variant Classification Sherloc (09022015). Collection method: clinical testing. Allele origin: germline.
Comment: This variant occurs in the RNU4ATAC gene, which encodes an RNA molecule that does not result in a protein product. This variant is present in population databases (rs763786601, gnomAD 0.2%). This variant has not been reported in the literature in individuals affected with RNU4ATAC-related conditions. ClinVar contains an entry for this variant (Variation ID: 1479614). Experimental studies and prediction algorithms are not available or were not evaluated, and the functional significance of this variant is currently unknown. In summary, the available evidence is currently insufficient to determine the role of this variant in disease. Therefore, it has been classified as a Variant of Uncertain Significance.